The following is an entry in ClinVar:

NM_004415.4(DSP):c.1566C>A (p.Leu522=)

Gene: DSP (desmoplakin; plus strand). Cytogenetic location: 6p24.3.
Variant type: single nucleotide variant.
Coding change: c.1566C>A on transcript NM_004415.4 (MANE Select); coding-DNA position 1566, C replaced by A.
Protein change: p.Leu522=; no amino-acid change (leucine 522 retained).
Molecular consequence: synonymous variant.
Genome position (GRCh38, 1-based): chr6:7,569,332, C>A. VCF-style: chr6-7569332-C-A. GRCh37 (hg19) VCF-style: chr6-7569565-C-A.
Other names: p.Leu522=; c.1566C>A, p.Leu522= (NM_001008844.3, NM_001319034.2).
Identifiers: ClinVar variation 4684900 (VCV004684900.1).
Genomic context (GRCh38, chr6:7,569,332, plus strand): 5'-CATGCTTGTTCCCTCTGTGGGGCTGATCATCCCTCCTCCGAACCCACTGGCCGTGGACCT[C>A]TCTTGCAAGTAAGTCATCCAAGTTCCCAAAGCCACGCATGCACGCATGAATGTGAGGGCA-3'
Protein context (NP_004406.2, residues 512-532): IPPPNPLAVD[Leu522=]SCKIEQYYEA

ClinVar aggregate classification (germline): Likely benign (1 of 4 stars; one submission).

Submission:

Mayo Clinic Laboratories, Mayo Clinic
Classification: Likely benign. Last evaluated: 2025-06-05. Review status: criteria provided, single submitter. Criteria: ACMG Guidelines, 2015. Collection method: clinical testing. Allele origin: germline. Observed: 1 variant allele.
Comment: BP4, BP7, PM2_supporting